The following is an entry in ClinVar:

NM_005618.4(DLL1):c.-9C>A

Gene: DLL1 (delta like canonical Notch ligand 1; minus strand). Cytogenetic location: 6q27.
Variant type: single nucleotide variant.
Coding change: c.-9C>A on transcript NM_005618.4 (MANE Select); 9 bases upstream of the start codon, C replaced by A.
Molecular consequence: 5 prime UTR variant.
Genome position (GRCh38, 1-based): chr6:170,290,148, G>T on the plus strand (C>A on the coding strand, the complement: DLL1 is on the minus strand). VCF-style: chr6-170290148-G-T. GRCh37 (hg19) VCF-style: chr6-170599236-G-T.
Identifiers: ClinVar variation 3051756 (VCV003051756.2), dbSNP rs377090915, ClinGen allele CA4107240.
Genomic context (GRCh38, chr6:170,290,148, plus strand): 5'-GACACAGCAAGGCCGAGAGCACCGCCAGGGCCAGCGCGCACCGACTGCCCATGCTGCTTC[G>T]CTCCACGCGCGAGCCTGGGGGGCCCCCACTTCTCTCCTTAGAACAGCGGCGGACGCGCGG-3'

ClinVar aggregate classification (germline): Likely benign (0 of 4 stars; one submission).

Conditions:
DLL1-related disorder. Also called: DLL1-related condition.

Allele frequency attached by ClinVar (database versions not stated): gnomAD exomes 0.00004; ESP Exome Variant Server 0.00016.

Submission:

PreventionGenetics, part of Exact Sciences
Classification: Likely benign for DLL1-related condition. Last evaluated: 2023-05-08. Review status: no assertion criteria provided. Collection method: clinical testing. Allele origin: germline.
Comment: This variant is classified as likely benign based on ACMG/AMP sequence variant interpretation guidelines (Richards et al. 2015 PMID: 25741868, with internal and published modifications).